The following is an entry in ClinVar:

ClinVar aggregate classification (germline): Uncertain significance (1 of 4 stars; one submission).

Submission:

GeneDx
Classification: Uncertain significance. Last evaluated: 2025-06-20. Review status: criteria provided, single submitter. Criteria: GeneDx Variant Classification Process June 2021. Collection method: clinical testing. Allele origin: germline. Affected: yes.
Comment: Not observed at significant frequency in large population cohorts (gnomAD); In silico analysis suggests that this missense variant does not alter protein structure/function; Has not been previously published as pathogenic or benign to our knowledge

NM_030752.3(TCP1):c.1032G>A (p.Met344Ile)

Gene: TCP1 (t-complex 1; minus strand). Cytogenetic location: 6q25.3.
Variant type: single nucleotide variant.
Coding change: c.1032G>A on transcript NM_030752.3 (MANE Select); coding-DNA position 1032, G replaced by A.
Protein change: p.Met344Ile; replaces methionine 344 with isoleucine.
Molecular consequence: missense variant.
Genome position (GRCh38, 1-based): chr6:159,780,508, C>T on the plus strand (G>A on the coding strand, the complement: TCP1 is on the minus strand). VCF-style: chr6-159780508-C-T. GRCh37 (hg19) VCF-style: chr6-160201540-C-T.
Other names: c.567G>A, p.Met189Ile (NM_001008897.2); short protein forms M189I, M344I.
Identifiers: ClinVar variation 4538820 (VCV004538820.1).